The following is an entry in ClinVar:

ClinVar aggregate classification (germline): Uncertain significance (1 of 4 stars; one submission).

Conditions:
Cardiovascular phenotype. Identifiers: MedGen CN230736.
Hereditary cancer-predisposing syndrome. Also called: Tumor predisposition; Hereditary Cancer Syndrome; Neoplastic Syndromes, Hereditary; Hereditary neoplastic syndrome. Identifiers: Orphanet 140162, MedGen C0027672, MeSH D009386, MONDO:0015356.

Submission:

Ambry Genetics
Classification: Uncertain significance for Cardiovascular phenotype; Hereditary cancer-predisposing syndrome. Last evaluated: 2020-02-04. Review status: criteria provided, single submitter. Criteria: Ambry Variant Classification Scheme 2023. Collection method: clinical testing. Allele origin: germline.
Comment: The p.R873S variant (also known as c.2617C>A), located in coding exon 21 of the NF1 gene, results from a C to A substitution at nucleotide position 2617. The arginine at codon 873 is replaced by serine, an amino acid with dissimilar properties. This amino acid position is highly conserved in available vertebrate species. In addition, the in silico prediction for this alteration is inconclusive. Since supporting evidence is limited at this time, the clinical significance of this alteration remains unclear.

NM_001042492.3(NF1):c.2617C>A (p.Arg873Ser)

Gene: NF1 (neurofibromin 1; plus strand). Cytogenetic location: 17q11.2.
Variant type: single nucleotide variant.
Coding change: c.2617C>A on transcript NM_001042492.3 (MANE Select); coding-DNA position 2617, C replaced by A.
Protein change: p.Arg873Ser; replaces arginine 873 with serine.
Molecular consequence: missense variant.
Genome position (GRCh38, 1-based): chr17:31,229,232, C>A. VCF-style: chr17-31229232-C-A. GRCh37 (hg19) VCF-style: chr17-29556250-C-A.
Other names: c.2617C>A, p.Arg873Ser (NM_000267.4); short protein forms R873S.
Identifiers: ClinVar variation 1793870 (VCV001793870.2), dbSNP rs199474739, ClinGen allele CA398984495.
Genomic context (GRCh38, chr17:31,229,232, plus strand): 5'-CAGCAGAGAAGCAATTCTGGCCTGGCAACCTATAGCCCACCCATGGGTCCAGTCAGTGAA[C>A]GTAAGGGTTCTATGATTTCAGTGATGTCTTCAGAGGGAAACGCAGATACACCTGTCAGCA-3'
Protein context (NP_001035957.1, residues 863-883): YSPPMGPVSE[Arg873Ser]KGSMISVMSS